The following is an entry in ClinVar:

ClinVar aggregate classification (germline): Uncertain significance (1 of 4 stars; one submission).

Allele frequency attached by ClinVar (database versions not stated): gnomAD exomes below 0.00001; ExAC 0.00001; gnomAD 0.00001.
gnomAD v4.1: 3 of 1,599,560 alleles (0.00019%); highest among the groups gnomAD compares: African/African-American, 0.0027%; no homozygotes.

Submission:

Ambry Genetics
Classification: Uncertain significance. Last evaluated: 2022-07-20. Review status: criteria provided, single submitter. Criteria: Ambry Variant Classification Scheme 2023. Collection method: clinical testing. Allele origin: germline.
Comment: The p.Q484* variant (also known as c.1450C>T), located in coding exon 8 of the GALNT12 gene, results from a C to T substitution at nucleotide position 1450. This changes the amino acid from a glutamine to a stop codon within coding exon 8. This alteration is expected to result in premature protein truncation or nonsense-mediated mRNA decay. However, the evidence for this gene-disease relationship is limited; therefore, the clinical significance of this alteration is unclear.

NM_024642.5(GALNT12):c.1450C>T (p.Gln484Ter)

Gene: GALNT12 (polypeptide N-acetylgalactosaminyltransferase 12; plus strand). Cytogenetic location: 9q22.33.
Variant type: single nucleotide variant.
Coding change: c.1450C>T on transcript NM_024642.5 (MANE Select); coding-DNA position 1450, C replaced by T.
Protein change: p.Gln484Ter; replaces glutamine 484 with a stop codon.
Molecular consequence: nonsense.
Genome position (GRCh38, 1-based): chr9:98,844,201, C>T. VCF-style: chr9-98844201-C-T. GRCh37 (hg19) VCF-style: chr9-101606483-C-T.
Other names: short protein forms Q484*.
Identifiers: ClinVar variation 1772939 (VCV001772939.2), dbSNP rs780416933, ClinGen allele CA5154269.